The following is an entry in ClinVar:

ClinVar aggregate classification (germline): Uncertain significance. Review status: criteria provided, multiple submitters, no conflicts (2 of 4 stars). 4 submissions from 4 submitters: Uncertain significance (4). Last evaluated 2023-12-14.

Conditions:
Inborn genetic diseases. Identifiers: MedGen C0950123, MeSH D030342.

Allele frequency attached by ClinVar (database versions not stated): gnomAD 0.00006 and 0.00007; ESP Exome Variant Server 0.00008; TOPMed 0.00009; gnomAD exomes 0.00010 and 0.00014; ExAC 0.00017; 1000 Genomes Project 30x 0.00031; 1000 Genomes Project 0.00040.
gnomAD v4.1: 158 of 1,614,188 alleles (0.0098%); highest among the groups gnomAD compares: Middle Eastern, 0.12%; no homozygotes.

Submissions (4):

Women's Health and Genetics/Laboratory Corporation of America, LabCorp
Classification: Uncertain significance. Last evaluated: 2023-12-14. Review status: criteria provided, single submitter. Criteria: LabCorp Variant Classification Summary - May 2015. Collection method: clinical testing. Allele origin: germline.
Comment: Variant summary: CUL7 c.4625G>A (p.Arg1542Gln) results in a conservative amino acid change in the encoded protein sequence. Four of five in-silico tools predict a benign effect of the variant on protein function. The variant allele was found at a frequency of 0.00014 in 251482 control chromosomes. This frequency is not significantly higher than estimated for a pathogenic variant in CUL7 causing Three M Syndrome 1 (0.00014 vs 0.0011), allowing no conclusion about variant significance. To our knowledge, no occurrence of c.4625G>A in individuals affected with Three M Syndrome 1 and no experimental evidence demonstrating its impact on protein function have been reported. Four submitters have cited clinical-significance assessments for this variant to ClinVar after 2014. All submitters classified the variant as uncertain significance. Based on the evidence outlined above, the variant was classified as uncertain significance.

Labcorp Genetics (formerly Invitae), Labcorp
Classification: Uncertain significance. Last evaluated: 2023-11-13. Review status: criteria provided, single submitter. Criteria: Invitae Variant Classification Sherloc (09022015). Collection method: clinical testing. Allele origin: germline.
Comment: This sequence change replaces arginine, which is basic and polar, with glutamine, which is neutral and polar, at codon 1542 of the CUL7 protein (p.Arg1542Gln). This variant is present in population databases (rs189054608, gnomAD 0.02%). This variant has not been reported in the literature in individuals affected with CUL7-related conditions. ClinVar contains an entry for this variant (Variation ID: 356821). An algorithm developed to predict the effect of missense changes on protein structure and function (PolyPhen-2) suggests that this variant¬†is likely to be tolerated. In summary, the available evidence is currently insufficient to determine the role of this variant in disease. Therefore, it has been classified as a Variant of Uncertain Significance.

Ambry Genetics
Classification: Uncertain significance for Inborn genetic diseases. Last evaluated: 2021-10-12. Review status: criteria provided, single submitter. Criteria: Ambry Variant Classification Scheme 2023. Collection method: clinical testing. Allele origin: germline.

Eurofins Ntd Llc (ga)
Classification: Uncertain significance. Last evaluated: 2018-06-11. Review status: criteria provided, single submitter. Criteria: EGL ClinVar v180209 classification definitions. Collection method: clinical testing. Allele origin: germline. Observed: 1 variant allele, 1 heterozygote.

NM_014780.5(CUL7):c.4625G>A (p.Arg1542Gln)

Gene: CUL7 (cullin 7; minus strand). Cytogenetic location: 6p21.1.
Variant type: single nucleotide variant.
Coding change: c.4625G>A on transcript NM_014780.5 (MANE Select); coding-DNA position 4625, G replaced by A.
Protein change: p.Arg1542Gln; replaces arginine 1542 with glutamine.
Molecular consequence: missense variant.
Genome position (GRCh38, 1-based): chr6:43,038,415, C>T on the plus strand (G>A on the coding strand, the complement: CUL7 is on the minus strand). VCF-style: chr6-43038415-C-T. GRCh37 (hg19) VCF-style: chr6-43006153-C-T.
Other names: c.4622G>A, p.Arg1541Gln (NM_001374874.1); c.4721G>A, p.Arg1574Gln (NM_001168370.2, NM_001374872.1); c.4637G>A, p.Arg1546Gln (NM_001374873.1); short protein forms R1542Q, R1541Q, R1546Q, R1574Q.
Identifiers: ClinVar variation 356821 (VCV000356821.15), dbSNP rs189054608, ClinGen allele CA3813149.
Genomic context (GRCh38, chr6:43,038,415, plus strand): 5'-TTCTCCAAGTTCTGGCCGTCTTCACCCTCAGCTTGCAGGTACGTCTGAGGTGGGATGAGC[C>T]GCACAATGTCCCATCTCGACCTGGGTTCCTTGCTGCCATCTCGAATCTTGAGGACCCCTG-3'
Protein context (NP_055595.2, residues 1532-1552): KEPRSRWDIV[Arg1542Gln]LIPPQTYLQA